The following is an entry in ClinVar:

ClinVar aggregate classification (germline): Uncertain significance. Review status: criteria provided, multiple submitters, no conflicts (2 of 4 stars). 4 submissions from 4 submitters: Uncertain significance (4). Last evaluated 2025-11-18.

Conditions:
Familial thoracic aortic aneurysm and aortic dissection (TAAD). Also called: Thoracic aortic aneurysms and dissections. Identifiers: Orphanet 91387, MedGen C4707243, MONDO:0019625.
Ehlers-Danlos syndrome, type 4 (EDSVASC). Also called: Ehlers-Danlos syndrome vascular type; Ehlers Danlos syndrome, ecchymotic type; Ehlers Danlos syndrome, arterial type; Ehlers Danlos syndrome, Sack-Barabas type; Ehlers-Danlos Syndrome Type IV. Identifiers: Orphanet 286, MedGen C0268338, MONDO:0017314, OMIM 130050.

Allele frequency attached by ClinVar (database versions not stated): TOPMed 0.00001; gnomAD exomes 0.00002.
gnomAD v4.1: 29 of 1,614,158 alleles (0.0018%); highest among the groups gnomAD compares: Middle Eastern, 0.016%; no homozygotes.

Submissions (4):

Labcorp Genetics (formerly Invitae), Labcorp
Classification: Uncertain significance for Ehlers-Danlos syndrome, type 4. Last evaluated: 2025-11-18. Review status: criteria provided, single submitter. Criteria: Invitae Variant Classification Sherloc (09022015). Collection method: clinical testing. Allele origin: germline.
Comment: This sequence change replaces arginine, which is basic and polar, with histidine, which is basic and polar, at codon 1255 of the COL3A1 protein (p.Arg1255His). This variant is present in population databases (rs368119434, gnomAD 0.01%). This missense change has been observed in individual(s) with sporadic thoracic aortic dissection (PMID: 34047934). ClinVar contains an entry for this variant (Variation ID: 629641). Invitae Evidence Modeling of protein sequence and biophysical properties (such as structural, functional, and spatial information, amino acid conservation, physicochemical variation, residue mobility, and thermodynamic stability) indicates that this missense variant is not expected to disrupt COL3A1 protein function with a negative predictive value of 95%. In summary, the available evidence is currently insufficient to determine the role of this variant in disease. Therefore, it has been classified as a Variant of Uncertain Significance.

Color Diagnostics, LLC DBA Color Health
Classification: Uncertain significance for Familial thoracic aortic aneurysm and aortic dissection. Last evaluated: 2024-11-13. Review status: criteria provided, single submitter. Criteria: ACMG Guidelines, 2015. Collection method: clinical testing. Allele origin: germline.
Comment: This missense variant replaces arginine with histidine at codon 1255 of the COL3A1 protein. Computational prediction suggests that this variant may not impact protein structure and function. To our knowledge, functional studies have not been reported for this variant. This variant has been reported in an individual affected with sporadic thoracic aortic dissection (PMID: 34047934). This variant has been identified in 5/251096 chromosomes in the general population by the Genome Aggregation Database (gnomAD). The available evidence is insufficient to determine the role of this variant in disease conclusively. Therefore, this variant is classified as a Variant of Uncertain Significance.

All of Us Research Program, National Institutes of Health
Classification: Uncertain significance for Ehlers-Danlos syndrome, type 4. Last evaluated: 2023-12-01. Review status: criteria provided, single submitter. Criteria: ACMG Guidelines, 2015. Collection method: clinical testing. Allele origin: germline. Inheritance: Autosomal dominant inheritance. Observed: 5 variant alleles, 5 heterozygotes.
Comment: This missense variant replaces arginine with histidine at codon 1255 of the COL3A1 protein. Computational prediction suggests that this variant may not impact protein structure and function (internally defined REVEL score threshold <= 0.5, PMID: 27666373). Splice site prediction tools suggest that this variant may not impact RNA splicing. To our knowledge, functional studies have not been performed for this variant. This variant has not been reported in individuals affected with cardiovascular disorders in the literature. This variant has been identified in 5/251096 chromosomes in the general population by the Genome Aggregation Database (gnomAD). The available evidence is insufficient to determine the role of this variant in disease conclusively. Therefore, this variant is classified as a Variant of Uncertain Significance.

This study involves interpretation of variants in research participants for the purpose of population health screening. Participant phenotype was not available at the time of variant classification. Additional details can be found in publication PMID: 35346344, PMCID: PMC8962531

GeneDx
Classification: Uncertain significance. Last evaluated: 2022-08-10. Review status: criteria provided, single submitter. Criteria: GeneDx Variant Classification Process June 2021. Collection method: clinical testing. Allele origin: germline. Affected: yes.
Comment: Not observed at a significant frequency in large population cohorts (gnomAD); In silico analysis supports that this missense variant has a deleterious effect on protein structure/function; Not located in the triple helical region, where the majority of pathogenic missense variants occur (HGMD); This variant is associated with the following publications: (PMID: 34047934)

Literature cited by the submitters: PubMed 34047934 (cited by Labcorp Genetics (formerly Invitae), Labcorp and Color Diagnostics, LLC DBA Color Health).

NM_000090.4(COL3A1):c.3764G>A (p.Arg1255His)

Gene: COL3A1 (collagen type III alpha 1 chain; plus strand). Cytogenetic location: 2q32.2.
Variant type: single nucleotide variant.
Coding change: c.3764G>A on transcript NM_000090.4 (MANE Select); coding-DNA position 3764, G replaced by A.
Protein change: p.Arg1255His; replaces arginine 1255 with histidine.
Molecular consequence: missense variant.
Genome position (GRCh38, 1-based): chr2:189,009,162, G>A. VCF-style: chr2-189009162-G-A. GRCh37 (hg19) VCF-style: chr2-189873888-G-A.
Other names: short protein forms R1255H.
Identifiers: ClinVar variation 629641 (VCV000629641.16), dbSNP rs368119434, ClinGen allele CA076265.